The following is an entry in ClinVar:

ClinVar aggregate classification (germline): Pathogenic. Review status: criteria provided, single submitter (1 of 4 stars). 2 submissions from 2 submitters: Pathogenic (1). 1 of the submissions does not count toward it. Last evaluated 2022-07-18.

Conditions:
Familial cancer of breast. Also called: BREAST CANCER, FAMILIAL; Hereditary breast cancer; hereditary breast carcinoma. Identifiers: Orphanet 227535, MedGen C0346153, MONDO:0016419, OMIM 114480. Disease mechanism: loss of function.
Hereditary breast ovarian cancer syndrome. Also called: Hereditary breast and ovarian cancer syndrome (HBOC); Hereditary breast and/or ovarian cancer syndrome; BRCA1- and BRCA2-Associated Hereditary Breast and Ovarian Cancer; Hereditary breast and ovarian cancer syndrome; Hereditary breast and ovarian cancer; Breast and ovarian cancer. Identifiers: Orphanet 145, MedGen C0677776, MeSH D061325, MONDO:0003582. Disease mechanism: loss of function.

Submissions (2):

Labcorp Genetics (formerly Invitae), Labcorp
Classification: Pathogenic for Hereditary breast ovarian cancer syndrome. Last evaluated: 2022-07-18. Review status: criteria provided, single submitter. Criteria: Invitae Variant Classification Sherloc (09022015). Collection method: clinical testing. Allele origin: germline.
Comment: This sequence change creates a premature translational stop signal (p.Ser521Glnfs*4) in the BRCA2 gene. It is expected to result in an absent or disrupted protein product. Loss-of-function variants in BRCA2 are known to be pathogenic (PMID: 20104584). This variant is not present in population databases (gnomAD no frequency). This variant has not been reported in the literature in individuals affected with BRCA2-related conditions. ClinVar contains an entry for this variant (Variation ID: 1012162). For these reasons, this variant has been classified as Pathogenic.

Genomic Center, National Cancer Institute
Classification: Pathogenic for Familial cancer of breast. Review status: no assertion criteria provided. Collection method: case-control. Allele origin: germline. Affected: yes. Not counted in ClinVar's aggregate classification.

Literature cited by the submitters: PubMed 20104584 (cited by Labcorp Genetics (formerly Invitae), Labcorp).

NM_000059.4(BRCA2):c.1561del (p.Ser521fs)

Gene: BRCA2 (BRCA2 DNA repair associated; plus strand). Cytogenetic location: 13q13.1.
Variant type: Deletion.
Coding change: c.1561del on transcript NM_000059.4 (MANE Select); coding-DNA position 1561, one base deleted (T; older notation c.1561delT).
Protein change: p.Ser521fs; shifts the reading frame from serine 521.
Molecular consequence: frameshift variant.
Genome position (GRCh38, 1-based): chr13:32,333,039, T deleted; the last of 5 consecutive T bases (chr13:32,333,035-32,333,039); deleting any one gives the same sequence. VCF-style (leftmost placement, unchanged base first): chr13-32333034-GT-G. GRCh37 (hg19) VCF-style: chr13-32907171-GT-G.
Other names: c.1561delT (NM_000059.4); short protein forms S521fs.
Identifiers: ClinVar variation 1012162 (VCV001012162.8), dbSNP rs886040374, ClinGen allele CA2082769076.